The following is an entry in ClinVar:

NM_001378615.1(CC2D2A):c.989T>C (p.Met330Thr)

Genes: CC2D2A (coiled-coil and C2 domain containing 2A; plus strand), FBXL5 (F-box and leucine rich repeat protein 5; minus strand). Cytogenetic location: 4p15.32.
Variant type: single nucleotide variant.
Coding change: c.989T>C on transcript NM_001378615.1 (MANE Select); coding-DNA position 989, T replaced by C.
Protein change: p.Met330Thr; replaces methionine 330 with threonine.
Molecular consequence: missense variant.
Genome position (GRCh38, 1-based): chr4:15,515,976, T>C. VCF-style: chr4-15515976-T-C. GRCh37 (hg19) VCF-style: chr4-15517599-T-C.
Other names: c.989T>C, p.Met330Thr (NM_001080522.2); c.842T>C, p.Met281Thr (NM_001378617.1); short protein forms M281T, M330T.
Identifiers: ClinVar variation 1415043 (VCV001415043.3), dbSNP rs1553826997, ClinGen allele CA356409725.

ClinVar aggregate classification (germline): Uncertain significance (1 of 4 stars; one submission).

Conditions:
Joubert syndrome. Also called: JOUBERT-BOLTSHAUSER SYNDROME; Familial aplasia of the vermis. Identifiers: Orphanet 475, MedGen C5979921, MONDO:0018772.
Meckel-Gruber syndrome. Also called: DYSENCEPHALIA SPLANCHNOCYSTICA; GRUBER SYNDROME; Dysencephalia splachnocystica. Identifiers: Orphanet 564, MedGen C0265215, MONDO:0018921.

Allele frequency attached by ClinVar (database versions not stated): gnomAD exomes below 0.00001.
gnomAD v4.1: 4 of 1,589,784 alleles (0.00025%); highest among the groups gnomAD compares: Non-Finnish European, 0.00034%; no homozygotes.

Submission:

Labcorp Genetics (formerly Invitae), Labcorp
Classification: Uncertain significance for Joubert syndrome; Meckel-Gruber syndrome. Last evaluated: 2021-09-21. Review status: criteria provided, single submitter. Criteria: Invitae Variant Classification Sherloc (09022015). Collection method: clinical testing. Allele origin: germline.
Comment: This sequence change replaces methionine with threonine at codon 330 of the CC2D2A protein (p.Met330Thr). The methionine residue is weakly conserved and there is a moderate physicochemical difference between methionine and threonine. This variant is not present in population databases (ExAC no frequency). This variant has not been reported in the literature in individuals affected with CC2D2A-related conditions. Advanced modeling of protein sequence and biophysical properties (such as structural, functional, and spatial information, amino acid conservation, physicochemical variation, residue mobility, and thermodynamic stability) performed at Invitae indicates that this missense variant is not expected to disrupt CC2D2A protein function. In summary, the available evidence is currently insufficient to determine the role of this variant in disease. Therefore, it has been classified as a Variant of Uncertain Significance.